The following is an entry in ClinVar:

NM_000548.5(TSC2):c.4005+5G>A

Gene: TSC2 (TSC complex subunit 2; plus strand). Cytogenetic location: 16p13.3.
Variant type: single nucleotide variant.
Coding change: c.4005+5G>A on transcript NM_000548.5 (MANE Select); 5 bases into the intron after coding-DNA position 4005, G replaced by A.
Molecular consequence: intron variant.
Genome position (GRCh38, 1-based): chr16:2,083,821, G>A. VCF-style: chr16-2083821-G-A. GRCh37 (hg19) VCF-style: chr16-2133822-G-A.
Other names: c.4005+5G>A (NM_000548.3); c.2463+5G>A (NM_001406693.1, NM_001406692.1, NM_001406694.1); c.3897+5G>A (NM_001406667.1); c.3894+5G>A (NM_001406668.1); c.3405+5G>A (NM_001406680.1); c.3336+5G>A (NM_001406683.1, NM_001406682.1); c.3204+5G>A (NM_001406687.1, NM_001406688.1); c.2592+5G>A (NM_001406689.1); and 27 more.
Identifiers: ClinVar variation 2721176 (VCV002721176.4), dbSNP rs2151514405, ClinGen allele CA2697549574.

ClinVar aggregate classification (germline): Uncertain significance. Review status: criteria provided, multiple submitters, no conflicts (2 of 4 stars). 2 submissions from 2 submitters: Uncertain significance (2). Last evaluated 2026-07-20.

Conditions:
Tuberous sclerosis 2 (TSC2). Identifiers: Orphanet 805, MedGen C1860707, MONDO:0013199, OMIM 613254.
Hereditary cancer-predisposing syndrome. Also called: Hereditary Cancer Syndrome; Hereditary neoplastic syndrome; Neoplastic Syndromes, Hereditary; Tumor predisposition. Identifiers: Orphanet 140162, MedGen C0027672, MeSH D009386, MONDO:0015356.

Submissions (2):

Ambry Genetics
Classification: Uncertain significance for Hereditary cancer-predisposing syndrome. Last evaluated: 2026-07-20. Review status: criteria provided, single submitter. Criteria: Ambry Variant Classification Scheme 2023. Collection method: clinical testing. Allele origin: germline.
Comment: The c.4005+5G>A intronic variant results from a G to A substitution 5 nucleotides after coding exon 32 in the TSC2 gene. This nucleotide position is highly conserved in available vertebrate species. In silico splice site analysis predicts that this alteration may weaken the native splice donor site. RNA studies have demonstrated that this variant results in a splice defect; the clinical impact of this abnormal splicing is unknown at this time (Ambry internal data). Based on the available evidence, the clinical significance of this variant remains unclear.

Labcorp Genetics (formerly Invitae), Labcorp
Classification: Uncertain significance for Tuberous sclerosis 2. Last evaluated: 2023-08-30. Review status: criteria provided, single submitter. Criteria: Invitae Variant Classification Sherloc (09022015). Collection method: clinical testing. Allele origin: germline.
Comment: In summary, the available evidence is currently insufficient to determine the role of this variant in disease. Therefore, it has been classified as a Variant of Uncertain Significance. This sequence change falls in intron 33 of the TSC2 gene. It does not directly change the encoded amino acid sequence of the TSC2 protein. It affects a nucleotide within the consensus splice site. This variant is not present in population databases (gnomAD no frequency). This variant has not been reported in the literature in individuals affected with TSC2-related conditions. Variants that disrupt the consensus splice site are a relatively common cause of aberrant splicing (PMID: 17576681, 9536098). Algorithms developed to predict the effect of sequence changes on RNA splicing suggest that this variant may disrupt the consensus splice site.

Literature cited by the submitters: PubMed 17576681 (cited by Labcorp Genetics (formerly Invitae), Labcorp); PubMed 9536098 (cited by Labcorp Genetics (formerly Invitae), Labcorp).